The following is an entry in ClinVar:

NM_002653.5(PITX1):c.330G>C (p.Arg110Ser)

Gene: PITX1 (paired like homeodomain 1; minus strand). Cytogenetic location: 5q31.1.
Variant type: single nucleotide variant.
Coding change: c.330G>C on transcript NM_002653.5 (MANE Select); coding-DNA position 330, G replaced by C.
Protein change: p.Arg110Ser; replaces arginine 110 with serine.
Molecular consequence: missense variant.
Genome position (GRCh38, 1-based): chr5:135,031,348, C>G on the plus strand (G>C on the coding strand, the complement: PITX1 is on the minus strand). VCF-style: chr5-135031348-C-G. GRCh37 (hg19) VCF-style: chr5-134367038-C-G.
Other names: short protein forms R110S.
Identifiers: ClinVar variation 5037292 (VCV005037292.1).

ClinVar aggregate classification (germline): Uncertain significance (1 of 4 stars; one submission).

Submission:

GeneDx
Classification: Uncertain significance. Last evaluated: 2026-04-16. Review status: criteria provided, single submitter. Criteria: GeneDx Variant Classification Process June 2021. Collection method: clinical testing. Allele origin: germline.
Comment: Not observed at significant frequency in large population cohorts (gnomAD); In silico analysis supports that this missense variant has a deleterious effect on protein structure/function; Has not been previously published as pathogenic or benign to our knowledge